The following is an entry in ClinVar:

ClinVar aggregate classification (germline): Uncertain significance (1 of 4 stars; one submission).

Conditions:
Spermatogenic failure 18. Identifiers: MedGen C4539783, MONDO:0054615, OMIM 617576.
Ciliary dyskinesia, primary, 37 (CILD37). Also called: CILIARY DYSKINESIA, PRIMARY, 37, WITH OR WITHOUT SITUS INVERSUS. Identifiers: MedGen C4539798, MONDO:0033204, OMIM 617577.

Submission:

Labcorp Genetics (formerly Invitae), Labcorp
Classification: Uncertain significance for Ciliary dyskinesia, primary, 37; Spermatogenic failure 18. Last evaluated: 2024-01-04. Review status: criteria provided, single submitter. Criteria: Invitae Variant Classification Sherloc (09022015). Collection method: clinical testing. Allele origin: germline.
Comment: This sequence change replaces methionine, which is neutral and non-polar, with isoleucine, which is neutral and non-polar, at codon 3469 of the DNAH1 protein (p.Met3469Ile). This variant is not present in population databases (gnomAD no frequency). This variant has not been reported in the literature in individuals affected with DNAH1-related conditions. Advanced modeling of protein sequence and biophysical properties (such as structural, functional, and spatial information, amino acid conservation, physicochemical variation, residue mobility, and thermodynamic stability) performed at Invitae indicates that this missense variant is not expected to disrupt DNAH1 protein function with a negative predictive value of 80%. In summary, the available evidence is currently insufficient to determine the role of this variant in disease. Therefore, it has been classified as a Variant of Uncertain Significance.

NM_015512.5(DNAH1):c.10407G>C (p.Met3469Ile)

Gene: DNAH1 (dynein axonemal heavy chain 1; plus strand). Cytogenetic location: 3p21.1.
Variant type: single nucleotide variant.
Coding change: c.10407G>C on transcript NM_015512.5 (MANE Select); coding-DNA position 10407, G replaced by C.
Protein change: p.Met3469Ile; replaces methionine 3469 with isoleucine.
Molecular consequence: missense variant.
Genome position (GRCh38, 1-based): chr3:52,392,958, G>C. VCF-style: chr3-52392958-G-C. GRCh37 (hg19) VCF-style: chr3-52426974-G-C.
Other names: short protein forms M3469I.
Identifiers: ClinVar variation 2937300 (VCV002937300.3), dbSNP rs2471288615, ClinGen allele CA353202128.
Genomic context (GRCh38, chr3:52,392,958, plus strand): 5'-GGCCATCCGCACCCAGATCCTCTTCTTCTGTGTGTCCGACCTGGCCAACGTGGACCCCAT[G>C]TACCAGTACTCCCTTGAGTGGTTTCTCAACATCTTCCTCTCGGGCATCGCCAACTCAGAG-3'
Protein context (NP_056327.4, residues 3459-3479): CVSDLANVDP[Met3469Ile]YQYSLEWFLN